The following is an entry in ClinVar:

NM_000350.3(ABCA4):c.3430C>T (p.Pro1144Ser)

Gene: ABCA4 (ATP binding cassette subfamily A member 4; minus strand). Cytogenetic location: 1p22.1.
Variant type: single nucleotide variant.
Coding change: c.3430C>T on transcript NM_000350.3 (MANE Select); coding-DNA position 3430, C replaced by T.
Protein change: p.Pro1144Ser; replaces proline 1144 with serine.
Molecular consequence: missense variant.
Genome position (GRCh38, 1-based): chr1:94,041,301, G>A on the plus strand (C>T on the coding strand, the complement: ABCA4 is on the minus strand). VCF-style: chr1-94041301-G-A. GRCh37 (hg19) VCF-style: chr1-94506857-G-A.
Other names: c.3208C>T, p.Pro1070Ser (NM_001425324.1); short protein forms P1144S, P1070S.
Identifiers: ClinVar variation 1060710 (VCV001060710.6), dbSNP rs1047230065, ClinGen allele CA26863646.

ClinVar aggregate classification (germline): Uncertain significance (1 of 4 stars; one submission).

Allele frequency attached by ClinVar (database versions not stated): gnomAD 0.00001; TOPMed 0.00001; gnomAD exomes 0.00002.
gnomAD v4.1: 24 of 1,613,986 alleles (0.0015%); highest among the groups gnomAD compares: Non-Finnish European, 0.002%; no homozygotes.

Submission:

Labcorp Genetics (formerly Invitae), Labcorp
Classification: Uncertain significance. Last evaluated: 2021-08-30. Review status: criteria provided, single submitter. Criteria: Invitae Variant Classification Sherloc (09022015). Collection method: clinical testing. Allele origin: germline.
Comment: This sequence change replaces proline with serine at codon 1144 of the ABCA4 protein (p.Pro1144Ser). The proline residue is highly conserved and there is a moderate physicochemical difference between proline and serine. This variant is not present in population databases (ExAC no frequency). This variant has not been reported in the literature in individuals affected with ABCA4-related conditions. Algorithms developed to predict the effect of missense changes on protein structure and function are either unavailable or do not agree on the potential impact of this missense change (SIFT: "Deleterious"; PolyPhen-2: "Benign"; Align-GVGD: "Class C65"). In summary, the available evidence is currently insufficient to determine the role of this variant in disease. Therefore, it has been classified as a Variant of Uncertain Significance.